The following is an entry in ClinVar:

ClinVar aggregate classification (germline): Uncertain significance (1 of 4 stars; one submission).

Conditions:
Inborn genetic diseases. Identifiers: MedGen C0950123, MeSH D030342.

gnomAD v4.1: 1 of 1,612,734 alleles (0.000062%); highest among the groups gnomAD compares: Non-Finnish European, 0.000085%; no homozygotes.

Submission:

Ambry Genetics
Classification: Uncertain significance for Inborn genetic diseases. Last evaluated: 2025-03-08. Review status: criteria provided, single submitter. Criteria: Ambry Variant Classification Scheme 2023. Collection method: clinical testing. Allele origin: germline.
Comment: The p.R12C variant (also known as c.34C>T), located in coding exon 2 of the DDX41 gene, results from a C to T substitution at nucleotide position 34. The arginine at codon 12 is replaced by cysteine, an amino acid with highly dissimilar properties. This amino acid position is conserved. In addition, the in silico prediction for this alteration is inconclusive. Based on the available evidence, the clinical significance of this variant remains unclear.

NM_016222.4(DDX41):c.34C>T (p.Arg12Cys)

Gene: DDX41 (DEAD-box helicase 41; minus strand). Cytogenetic location: 5q35.3.
Variant type: single nucleotide variant.
Coding change: c.34C>T on transcript NM_016222.4 (MANE Select); coding-DNA position 34, C replaced by T.
Protein change: p.Arg12Cys; replaces arginine 12 with cysteine.
Molecular consequence: missense variant. On other transcripts: 5 prime UTR variant (2).
Genome position (GRCh38, 1-based): chr5:177,516,829, G>A on the plus strand (C>T on the coding strand, the complement: DDX41 is on the minus strand). VCF-style: chr5-177516829-G-A. GRCh37 (hg19) VCF-style: chr5-176943830-G-A.
Other names: c.-622C>T (NM_001321732.2); c.-414C>T (NM_001321830.2); short protein forms R12C.
Identifiers: ClinVar variation 3839074 (VCV003839074.1).
Genomic context (GRCh38, chr5:177,516,829, plus strand): 5'-CCTCGTCGTCCTCATCTTCCGCCTCGGAGCGGCTTCCTCCGGCAGGCACCTCGTCGGTGC[G>A]AGCCCGCTGCAAGCACACGCCAGTCAGGCACGGCCTGCTCCCCTCTTCACGCCCGCTCCC-3'
Protein context (NP_057306.2, residues 2-22): EESEPERKRA[Arg12Cys]TDEVPAGGSR